The following is an entry in ClinVar:

ClinVar aggregate classification (germline): Pathogenic (1 of 4 stars; one submission).

Submission:

Labcorp Genetics (formerly Invitae), Labcorp
Classification: Pathogenic. Last evaluated: 2022-06-02. Review status: criteria provided, single submitter. Criteria: Invitae Variant Classification Sherloc (09022015). Collection method: clinical testing. Allele origin: germline.
Comment: This variant has not been reported in the literature in individuals affected with USH2A-related conditions. For these reasons, this variant has been classified as Pathogenic. ClinVar contains an entry for this variant (Variation ID: 1387535). This variant is not present in population databases (gnomAD no frequency). This sequence change creates a premature translational stop signal (p.Thr911Profs*56) in the USH2A gene. It is expected to result in an absent or disrupted protein product. Loss-of-function variants in USH2A are known to be pathogenic (PMID: 10729113, 10909849, 20507924, 25649381).

Literature cited by the submitters: PubMed 10729113; PubMed 10909849; PubMed 20507924; PubMed 25649381.

NM_206933.4(USH2A):c.2730del (p.Thr911fs)

Genes: USH2A (usherin; minus strand), LOC122152296 (Sharpr-MPRA regulatory region 8762; plus strand). Cytogenetic location: 1q41.
Variant type: Deletion.
Coding change: c.2730del on transcript NM_206933.4 (MANE Select); coding-DNA position 2730, one base deleted (G; older notation c.2730delG).
Protein change: p.Thr911fs; shifts the reading frame from threonine 911.
Molecular consequence: frameshift variant.
Genome position (GRCh38, 1-based): chr1:216,246,664, C deleted on the plus strand (G on the coding strand, the reverse complement: USH2A is on the minus strand); the first of 3 consecutive C bases (chr1:216,246,664-216,246,666); deleting any one gives the same sequence. VCF-style (leftmost placement, unchanged base first): chr1-216246663-TC-T. GRCh37 (hg19) VCF-style: chr1-216420005-TC-T.
Other names: c.2730del, p.Thr911fs (NM_007123.6); short protein forms T911fs.
Identifiers: ClinVar variation 1387535 (VCV001387535.6), dbSNP rs2102545092, ClinGen allele CA2573132756.